The following is an entry in ClinVar:

NM_000089.4(COL1A2):c.1676G>A (p.Gly559Asp)

Gene: COL1A2 (collagen type I alpha 2 chain; plus strand). Cytogenetic location: 7q21.3.
Variant type: single nucleotide variant.
Coding change: c.1676G>A on transcript NM_000089.4 (MANE Select); coding-DNA position 1676, G replaced by A.
Protein change: p.Gly559Asp; replaces glycine 559 with aspartic acid.
Molecular consequence: missense variant.
Genome position (GRCh38, 1-based): chr7:94,414,232, G>A. VCF-style: chr7-94414232-G-A. GRCh37 (hg19) VCF-style: chr7-94043544-G-A.
Other names: short protein forms G559D.
Identifiers: ClinVar variation 1895429 (VCV001895429.2), dbSNP rs2484716722, ClinGen allele CA368222358.
Genomic context (GRCh38, chr7:94,414,232, plus strand): 5'-CTCCTGAACGTAGCCATGGGATTGAGATTTGTATTTCTTTTCATTTTTAGGGTCTGCCTG[G>A]CCCCTCAGGTCCCGCTGGTGAAGTTGGCAAACCAGGAGAAAGGGTGAGTAAAACAAGTAA-3'
Protein context (NP_000080.2, residues 549-569): PGPPGFQGLP[Gly559Asp]PSGPAGEVGK

ClinVar aggregate classification (germline): Pathogenic (1 of 4 stars; one submission).

Conditions:
Osteogenesis imperfecta (OI). Identifiers: Orphanet 666, MedGen C0029434, MeSH D010013, MONDO:0019019.

Submission:

Division Of Personalized Genomic Medicine, Columbia University Irving Medical Center
Classification: Pathogenic for Osteogenesis Imperfecta. Last evaluated: 2019-10-16. Review status: criteria provided, single submitter. Criteria: ACMG Guidelines, 2015. Collection method: clinical testing. Allele origin: de novo. Inheritance: Autosomal dominant inheritance. Affected: yes. Observed: 1 heterozygote.
Comment: The p.Gly559Asp variant in the COL1A2 gene results in the substitution of the highly conserved glycine residue at the 559 position to aspartic acid. This variant localizes to coding exon 29 of the COL1A2 gene (52 exons total; NP_000080.2) and is within the triple helical domain of the protein. This variant is predicted to be deleterious and damaging to protein structure and/or function based on in silico analyses (PROVEAN and SIFT). This variant has not been observed in the Genome Aggregation Database (gnomAD), indicating it is not a common benign variant in the populations represented in this database. To the best of our knowledge, this specific variant has not been described to be associated with disease. However, glycine substitutions within the triple helical domain of this protein are a known cause of perinatally lethal Osteogenesis Imperfecta (OI) (formerly OI type II), progressively deforming OI (formerly OI type III), and common variable OI (formerly OI type IV) (PMID: 20301472). Given this evidence, this variant is classified as pathogenic.

Literature cited by the submitters: PubMed 20301472.